The following is an entry in ClinVar:

ClinVar aggregate classification (germline): Uncertain significance. Review status: criteria provided, multiple submitters, no conflicts (2 of 4 stars). 2 submissions from 2 submitters: Uncertain significance (2). Last evaluated 2023-09-27.

Conditions:
Emery-Dreifuss muscular dystrophy 5, autosomal dominant (EDMD5). Also called: EMERY-DREIFUSS MUSCULAR DYSTROPHY 5. Identifiers: Orphanet 261, MedGen C2751805, MONDO:0013072, OMIM 612999.

Allele frequency attached by ClinVar (database versions not stated): gnomAD exomes 0.00004 and 0.00006; TOPMed 0.00004; gnomAD 0.00005; ExAC 0.00006; ESP Exome Variant Server 0.00015.
gnomAD v4.1: 61 of 1,613,984 alleles (0.0038%); highest among the groups gnomAD compares: Non-Finnish European, 0.0048%; no homozygotes.

Submissions (2):

Labcorp Genetics (formerly Invitae), Labcorp
Classification: Uncertain significance for Emery-Dreifuss muscular dystrophy 5, autosomal dominant. Last evaluated: 2023-09-27. Review status: criteria provided, single submitter. Criteria: Invitae Variant Classification Sherloc (09022015). Collection method: clinical testing. Allele origin: germline.
Comment: In summary, the available evidence is currently insufficient to determine the role of this variant in disease. Therefore, it has been classified as a Variant of Uncertain Significance. An algorithm developed to predict the effect of missense changes on protein structure and function (PolyPhen-2) suggests that this variant is likely to be disruptive. ClinVar contains an entry for this variant (Variation ID: 567674). This variant has not been reported in the literature in individuals affected with SYNE2-related conditions. This variant is present in population databases (rs150361559, gnomAD 0.01%). This sequence change replaces serine, which is neutral and polar, with threonine, which is neutral and polar, at codon 5223 of the SYNE2 protein (p.Ser5223Thr).

Revvity Omics, Revvity
Classification: Uncertain significance for Emery-Dreifuss muscular dystrophy 5, autosomal dominant. Last evaluated: 2020-03-05. Review status: criteria provided, single submitter. Criteria: ACMG Guidelines, 2015. Collection method: clinical testing. Allele origin: germline.

NM_182914.3(SYNE2):c.15667T>A (p.Ser5223Thr)

Gene: SYNE2 (spectrin repeat containing nuclear envelope protein 2; plus strand). Cytogenetic location: 14q23.2.
Variant type: single nucleotide variant.
Coding change: c.15667T>A on transcript NM_182914.3 (MANE Select); coding-DNA position 15667, T replaced by A.
Protein change: p.Ser5223Thr; replaces serine 5223 with threonine.
Molecular consequence: missense variant.
Genome position (GRCh38, 1-based): chr14:64,152,591, T>A. VCF-style: chr14-64152591-T-A. GRCh37 (hg19) VCF-style: chr14-64619309-T-A.
Other names: c.15667T>A, p.Ser5223Thr (NM_015180.6); short protein forms S5223T.
Identifiers: ClinVar variation 567674 (VCV000567674.11), dbSNP rs150361559, ClinGen allele CA7223161.